The following is an entry in ClinVar:

ClinVar aggregate classification (germline): Pathogenic (1 of 4 stars; one submission).

Conditions:
Familial cancer of breast. Also called: hereditary breast carcinoma; BREAST CANCER, FAMILIAL; Hereditary breast cancer. Identifiers: Orphanet 227535, MedGen C0346153, MONDO:0016419, OMIM 114480. Disease mechanism: loss of function.

Submission:

Myriad Genetics, Inc.
Classification: Pathogenic for Familial cancer of breast. Last evaluated: 2024-01-29. Review status: criteria provided, single submitter. Criteria: Myriad Autosomal Dominant, Autosomal Recessive and X-Linked Classification Criteria (2023). Collection method: clinical testing. Allele origin: unknown.
Comment: This variant is considered pathogenic. This variant creates a termination codon and is predicted to result in premature protein truncation.

NM_000051.4(ATM):c.6401_6404del (p.Gln2133_Ser2134insTer)

Genes: ATM (ATM serine/threonine kinase; plus strand), C11orf65 (chromosome 11 open reading frame 65; minus strand). Cytogenetic location: 11q22.3.
Variant type: Deletion.
Coding change: c.6401_6404del on transcript NM_000051.4 (MANE Select); coding-DNA positions 6401 to 6404, 4 bases deleted (CTCT; older notation c.6401_6404delCTCT).
Protein change: p.Gln2133_Ser2134insTer.
Molecular consequence: nonsense. On other transcripts: intron variant (2).
Genome position (GRCh38, 1-based): chr11:108,320,007-108,320,010, CTCT deleted; deleting any 4 consecutive bases within chr11:108,320,006-108,320,010 gives the same sequence; the c. name uses the placement nearest the transcript's 3' end. VCF-style (leftmost placement, unchanged base first): chr11-108320005-ATCTC-A. GRCh37 (hg19) VCF-style: chr11-108190732-ATCTC-A.
Other names: c.6400_6403del (NM_000051.4); c.6401_6404del, p.Gln2133_Ser2134insTer (NM_001351834.2); c.641-10938_641-10935del (NM_001330368.2); c.*39-10938_*39-10935del (NM_001351110.2).
Identifiers: ClinVar variation 3148557 (VCV003148557.1), dbSNP rs2085083193, ClinGen allele CA2825001862.